The following is an entry in ClinVar:

ClinVar aggregate classification (germline): Uncertain significance. Review status: criteria provided, multiple submitters, no conflicts (2 of 4 stars). 2 submissions from 2 submitters: Uncertain significance (2). Last evaluated 2026-02-19.

Conditions:
Hereditary cancer-predisposing syndrome. Also called: Neoplastic Syndromes, Hereditary; Hereditary neoplastic syndrome; Tumor predisposition; Hereditary Cancer Syndrome. Identifiers: Orphanet 140162, MedGen C0027672, MeSH D009386, MONDO:0015356.
Renal cell carcinoma. Identifiers: Orphanet 217071, MedGen C0007134, MeSH D002292, MONDO:0005086, HP:0005584.

Allele frequency attached by ClinVar (database versions not stated): gnomAD exomes 0.00001.
gnomAD v4.1: 9 of 1,613,820 alleles (0.00056%); highest among the groups gnomAD compares: Non-Finnish European, 0.00076%; no homozygotes.

Submissions (2):

Ambry Genetics
Classification: Uncertain significance for Hereditary cancer-predisposing syndrome. Last evaluated: 2026-02-19. Review status: criteria provided, single submitter. Criteria: Ambry Variant Classification Scheme 2023. Collection method: clinical testing. Allele origin: germline.
Comment: The p.G694E variant (also known as c.2081G>A), located in coding exon 7 of the MET gene, results from a G to A substitution at nucleotide position 2081. The glycine at codon 694 is replaced by glutamic acid, an amino acid with similar properties. This amino acid position is conserved. In addition, this alteration is predicted to be tolerated by in silico analysis. Based on the available evidence, the clinical significance of this variant remains unclear.

Labcorp Genetics (formerly Invitae), Labcorp
Classification: Uncertain significance for Renal cell carcinoma. Last evaluated: 2018-11-24. Review status: criteria provided, single submitter. Criteria: Invitae Variant Classification Sherloc (09022015). Collection method: clinical testing. Allele origin: germline.
Comment: Algorithms developed to predict the effect of missense changes on protein structure and function (SIFT, PolyPhen-2, Align-GVGD) all suggest that this variant is likely to be tolerated, but these predictions have not been confirmed by published functional studies and their clinical significance is uncertain. In summary, the available evidence is currently insufficient to determine the role of this variant in disease. Therefore, it has been classified as a Variant of Uncertain Significance. This variant has not been reported in the literature in individuals with MET-related conditions. This variant is not present in population databases (ExAC no frequency). This sequence change replaces glycine with glutamic acid at codon 694 of the MET protein (p.Gly694Glu). The glycine residue is moderately conserved and there is a moderate physicochemical difference between glycine and glutamic acid.

NM_000245.4(MET):c.2081G>A (p.Gly694Glu)

Gene: MET (MET proto-oncogene, receptor tyrosine kinase; plus strand). Cytogenetic location: 7q31.2.
Variant type: single nucleotide variant.
Coding change: c.2081G>A on transcript NM_000245.4 (MANE Select); coding-DNA position 2081, G replaced by A.
Protein change: p.Gly694Glu; replaces glycine 694 with glutamic acid.
Molecular consequence: missense variant.
Genome position (GRCh38, 1-based): chr7:116,757,753, G>A. VCF-style: chr7-116757753-G-A. GRCh37 (hg19) VCF-style: chr7-116397807-G-A.
Other names: c.2081G>A, p.Gly694Glu (NM_001127500.3, NM_001324401.3); c.791G>A, p.Gly264Glu (NM_001324402.2); short protein forms G264E, G694E.
Identifiers: ClinVar variation 654505 (VCV000654505.11), dbSNP rs1584941830, ClinGen allele CA368980141.